The following is an entry in ClinVar:

ClinVar aggregate classification (germline): Likely benign. Review status: criteria provided, multiple submitters, no conflicts (2 of 4 stars). 2 submissions from 2 submitters: Likely benign (2). Last evaluated 2026-09-14.

Conditions:
AIPL1-related disorder. Also called: AIPL1-related condition; AIPL1-related disorders. Identifiers: MedGen CN239169.
Leber congenital amaurosis 4 (LCA4). Identifiers: MedGen C1858386, MONDO:0011458, OMIM 604393.

Allele frequency attached by ClinVar (database versions not stated): ExAC 0.00002; gnomAD exomes 0.00002; gnomAD 0.00006; TOPMed 0.00007.
gnomAD v4.1: 48 of 1,613,424 alleles (0.003%); highest among the groups gnomAD compares: Admixed American, 0.0083%; no homozygotes.

Submissions (2):

PreventionGenetics, part of Exact Sciences
Classification: Likely benign for AIPL1-related condition. Last evaluated: 2026-09-14. Review status: criteria provided, single submitter. Criteria: ACMG Guidelines, 2015. Collection method: clinical testing. Allele origin: germline.
Comment: This variant is classified as likely benign based on ACMG/AMP sequence variant interpretation guidelines (Richards et al. 2015 PMID: 25741868, with internal and published modifications).

Labcorp Genetics (formerly Invitae), Labcorp
Classification: Likely benign for Leber congenital amaurosis 4. Last evaluated: 2024-10-22. Review status: criteria provided, single submitter. Criteria: Invitae Variant Classification Sherloc (09022015). Collection method: clinical testing. Allele origin: germline.

NM_014336.5(AIPL1):c.363C>T (p.Cys121=)

Gene: AIPL1 (AIP like 1 HSP90 co-chaperone; minus strand). Cytogenetic location: 17p13.2.
Variant type: single nucleotide variant.
Coding change: c.363C>T on transcript NM_014336.5 (MANE Select); coding-DNA position 363, C replaced by T.
Protein change: p.Cys121=; no amino-acid change (cysteine 121 retained).
Molecular consequence: synonymous variant. On other transcripts: intron variant (1).
Genome position (GRCh38, 1-based): chr17:6,428,420, G>A on the plus strand (C>T on the coding strand, the complement: AIPL1 is on the minus strand). VCF-style: chr17-6428420-G-A. GRCh37 (hg19) VCF-style: chr17-6331740-G-A.
Other names: c.183C>T, p.Cys61= (NM_001033055.3); c.327C>T, p.Cys109= (NM_001285399.3); c.297C>T, p.Cys99= (NM_001285400.3); c.363C>T, p.Cys121= (NM_001285401.3, NM_001285403.4); c.246C>T, p.Cys82= (NM_001285402.2); c.277-1363C>T (NM_001033054.3); c.363C>T (NM_014336.4).
Identifiers: ClinVar variation 1128554 (VCV001128554.10), dbSNP rs765121760, ClinGen allele CA8328533.